The following is an entry in ClinVar:

NM_133259.4(LRPPRC):c.2806-1G>C

Gene: LRPPRC (leucine rich pentatricopeptide repeat containing; minus strand). Cytogenetic location: 2p21.
Variant type: single nucleotide variant.
Coding change: c.2806-1G>C on transcript NM_133259.4 (MANE Select); the canonical splice acceptor site of the intron before coding-DNA position 2806, G replaced by C.
Molecular consequence: splice acceptor variant.
Genome position (GRCh38, 1-based): chr2:43,925,158, C>G on the plus strand (G>C on the coding strand, the complement: LRPPRC is on the minus strand). VCF-style: chr2-43925158-C-G. GRCh37 (hg19) VCF-style: chr2-44152297-C-G.
Identifiers: ClinVar variation 4816488 (VCV004816488.1).

ClinVar aggregate classification (germline): Likely pathogenic (1 of 4 stars; one submission).

Conditions:
Congenital lactic acidosis, Saguenay-Lac-Saint-Jean type (MC4DN5). Also called: CYTOCHROME c OXIDASE DEFICIENCY, FRENCH CANADIAN TYPE; COX DEFICIENCY, FRENCH CANADIAN TYPE; MITOCHONDRIAL COMPLEX IV DEFICIENCY, NUCLEAR TYPE 5. Identifiers: Orphanet 70472, MedGen C1857355, MONDO:0009069, OMIM 220111.

Submission:

Natera, Inc.
Classification: Likely pathogenic for French-Canadian type Leigh syndrome. Last evaluated: 2025-07-07. Review status: criteria provided, single submitter. Criteria: Natera Variant Classification Schema (03/2026). Collection method: clinical testing. Allele origin: germline.
Comment: The c.2806-1G>C variant in LRPPRC is a canonical splice acceptor site variant predicted to affect pre-mRNA splicing, which may result in an abnormal transcript and altered protein product. This variant is expected to result in nonsense mediated decay, truncation, or a dysfunctional protein product. This variant is rare in the general population with a frequency below the threshold expected for the associated phenotype(s). Given the available evidence, this variant is classified as Likely Pathogenic.